The following is an entry in ClinVar:

ClinVar aggregate classification (germline): Uncertain significance. Review status: criteria provided, multiple submitters, no conflicts (2 of 4 stars). 3 submissions from 3 submitters: Uncertain significance (3). Last evaluated 2024-01-10.

Conditions:
Cardiovascular phenotype. Identifiers: MedGen CN230736.
Long QT syndrome (LQTS). Identifiers: MedGen C0023976, MeSH D008133, MONDO:0002442. Disease mechanism: loss of function. Inheritance: Various modes of inheritance.

Allele frequency attached by ClinVar (database versions not stated): gnomAD exomes 0.00002; ExAC 0.00001.
gnomAD v4.1: 23 of 1,613,974 alleles (0.0014%); highest among the groups gnomAD compares: South Asian, 0.0033%; no homozygotes.

Submissions (3):

Blueprint Genetics
Classification: Uncertain significance. Last evaluated: 2024-01-10. Review status: criteria provided, single submitter. Criteria: ACMG Guidelines, 2015. Collection method: clinical testing. Allele origin: germline.

Labcorp Genetics (formerly Invitae), Labcorp
Classification: Uncertain significance for Long QT syndrome. Last evaluated: 2022-11-12. Review status: criteria provided, single submitter. Criteria: Invitae Variant Classification Sherloc (09022015). Collection method: clinical testing. Allele origin: germline.
Comment: In summary, the available evidence is currently insufficient to determine the role of this variant in disease. Therefore, it has been classified as a Variant of Uncertain Significance. Algorithms developed to predict the effect of missense changes on protein structure and function are either unavailable or do not agree on the potential impact of this missense change (SIFT: "Deleterious"; PolyPhen-2: "Probably Damaging"; Align-GVGD: "Class C0"). ClinVar contains an entry for this variant (Variation ID: 222503). This variant has not been reported in the literature in individuals affected with ANK2-related conditions. This variant is present in population databases (rs762909298, gnomAD 0.006%). This sequence change replaces serine, which is neutral and polar, with leucine, which is neutral and non-polar, at codon 2526 of the ANK2 protein (p.Ser2526Leu).

Ambry Genetics
Classification: Uncertain significance for Cardiovascular phenotype. Last evaluated: 2022-08-08. Review status: criteria provided, single submitter. Criteria: Ambry Variant Classification Scheme 2023. Collection method: clinical testing. Allele origin: germline.

NM_001148.6(ANK2):c.7577C>T (p.Ser2526Leu)

Genes: ANK2 (ankyrin 2; plus strand), LOC126807137 (CDK7 strongly-dependent group 2 enhancer GRCh37_chr4:114276560-114277759; plus strand). Cytogenetic location: 4q26.
Variant type: single nucleotide variant.
Coding change: c.7577C>T on transcript NM_001148.6 (MANE Select); coding-DNA position 7577, C replaced by T.
Protein change: p.Ser2526Leu; replaces serine 2526 with leucine.
Molecular consequence: missense variant. On other transcripts: intron variant (68).
Genome position (GRCh38, 1-based): chr4:113,356,195, C>T. VCF-style: chr4-113356195-C-T. GRCh37 (hg19) VCF-style: chr4-114277351-C-T.
Other names: c.7343C>T, p.Ser2448Leu (NM_001386142.1); c.3977C>T, p.Ser1326Leu (NM_001386166.1); c.7718C>T, p.Ser2573Leu (NM_001386174.1); c.7694C>T, p.Ser2565Leu (NM_001386175.1); c.4412-4628C>T (NM_001386186.2, NM_001386148.2); c.4214-4628C>T (NM_001354269.3); c.4292-4628C>T (NM_001386187.2); c.4253-4628C>T (NM_001386147.1); and 35 more; short protein forms S2526L, S1326L, S2448L, S2565L, S2573L.
Identifiers: ClinVar variation 222503 (VCV000222503.8), dbSNP rs762909298, ClinGen allele CA070617.
Genomic context (GRCh38, chr4:113,356,195, plus strand): 5'-GGTCCCGGCTACTCCGAGACCCTGATGGCAGTGCTGAGGATGACAGTCTTGAGCAGACAT[C>T]GCTCATGGAGAGCTCAGGGAAGAGCCCCCTTTCTCCTGACACCCCCAGCTCTGAAGAAGT-3'
Protein context (NP_001139.3, residues 2516-2536): SAEDDSLEQT[Ser2526Leu]LMESSGKSPL